The following is an entry in ClinVar:

ClinVar aggregate classification (germline): Conflicting classifications of pathogenicity. Review status: criteria provided, conflicting classifications (1 of 4 stars). 3 submissions from 3 submitters: Likely pathogenic (1); Uncertain significance (2). Last evaluated 2026-07-21.

Conditions:
Familial cancer of breast. Also called: BREAST CANCER, FAMILIAL; hereditary breast carcinoma; Hereditary breast cancer. Identifiers: Orphanet 227535, MedGen C0346153, MONDO:0016419, OMIM 114480. Disease mechanism: loss of function.
Hereditary cancer-predisposing syndrome. Also called: Hereditary neoplastic syndrome; Hereditary Cancer Syndrome; Neoplastic Syndromes, Hereditary; Tumor predisposition. Identifiers: Orphanet 140162, MedGen C0027672, MeSH D009386, MONDO:0015356.

Submissions (3):

Ambry Genetics
Classification: Uncertain significance for Hereditary cancer-predisposing syndrome. Last evaluated: 2026-07-21. Review status: criteria provided, single submitter. Criteria: Ambry Variant Classification Scheme 2023. Collection method: clinical testing. Allele origin: germline.
Comment: The c.49-2A>G intronic variant results from an A to G substitution two nucleotides upstream from coding exon 2 in the PALB2 gene. This nucleotide position is highly conserved in available vertebrate species. Alterations that disrupt the canonical splice site are expected to result in aberrant splicing. In silico splice site analysis predicts that this alteration will weaken the native splice acceptor site and will result in the creation or strengthening of a novel splice acceptor site. A resulting transcript is predicted to be in-frame and is not expected to trigger nonsense-mediated mRNAdecay; however, direct evidence is insufficient at this time (Ambry internal data). Based on the available evidence, the clinical significance of this variant remains unclear.

Labcorp Genetics (formerly Invitae), Labcorp
Classification: Uncertain significance for Familial cancer of breast. Last evaluated: 2025-11-09. Review status: criteria provided, single submitter. Criteria: Invitae Variant Classification Sherloc (09022015). Collection method: clinical testing. Allele origin: germline.
Comment: This sequence change affects an acceptor splice site in intron 1 of the PALB2 gene. RNA analysis indicates that disruption of this splice site induces altered splicing and likely results in the loss of 2 amino acid residue(s), but is expected to preserve the integrity of the reading-frame. This variant is not present in population databases (gnomAD no frequency). Disruption of this splice site has been observed in individual(s) with breast cancer and/or colorectal cancer (PMID: 25452441, 29478780). Experimental studies have shown that sequence changes at this splice site disrupt the consensus splice site and strengthen a cryptic acceptor site in exon 2, located 6 nucleotides downstream of the natural splice site. This results in an alternative transcript with an in-frame deletion of 2 amino acids, which do not affect known functional domains and/or critical residues (PMID: 30890586). Also, this alternative transcript has been shown to occur naturally in healthy individuals (PMID: 30890586). These studies suggest that the clinical significance of this splice variant may be uncertain. ClinVar contains an entry for this variant (Variation ID: 2677460). Studies have shown that disruption of this splice site results in the activation of a cryptic splice site in exon 2 (PMID: 34846068). In summary, the available evidence is currently insufficient to determine the role of this variant in disease. Therefore, it has been classified as a Variant of Uncertain Significance.

Baylor Genetics
Classification: Likely pathogenic for Familial cancer of breast. Last evaluated: 2022-09-29. Review status: criteria provided, single submitter. Criteria: ACMG Guidelines, 2015. Collection method: clinical testing. Allele origin: unknown.

Literature cited by the submitters: PubMed 25452441 (cited by Labcorp Genetics (formerly Invitae), Labcorp); PubMed 29478780 (cited by Labcorp Genetics (formerly Invitae), Labcorp); PubMed 30890586 (cited by Labcorp Genetics (formerly Invitae), Labcorp); PubMed 34846068 (cited by Labcorp Genetics (formerly Invitae), Labcorp).

NM_024675.4(PALB2):c.49-2A>G

Gene: PALB2 (partner and localizer of BRCA2; minus strand). Cytogenetic location: 16p12.2.
Variant type: single nucleotide variant.
Coding change: c.49-2A>G on transcript NM_024675.4 (MANE Select); the canonical splice acceptor site of the intron before coding-DNA position 49, A replaced by G.
Molecular consequence: splice acceptor variant. On other transcripts: intron variant (4).
Genome position (GRCh38, 1-based): chr16:23,638,131, T>C on the plus strand (A>G on the coding strand, the complement: PALB2 is on the minus strand). VCF-style: chr16-23638131-T-C. GRCh37 (hg19) VCF-style: chr16-23649452-T-C.
Other names: c.-837-2A>G (NM_001407308.1, NM_001407306.1, NM_001407307.1 and 5 more transcripts); c.48+2979A>G (NM_001407314.1); c.-105+2979A>G (NM_001407313.1, NM_001407312.1); c.49-179A>G (NM_001407296.1); c.49-2A>G (NM_001407297.1, NM_001407302.1, NM_001407298.1 and 4 more transcripts).
Identifiers: ClinVar variation 2677460 (VCV002677460.5), dbSNP rs786203245, ClinGen allele CA395140049.